The following is an entry in ClinVar:

NM_181507.2(HPS5):c.3041T>A (p.Leu1014Gln)

Gene: HPS5 (HPS5 biogenesis of lysosomal organelles complex 2 subunit 2; minus strand). Cytogenetic location: 11p15.1.
Variant type: single nucleotide variant.
Coding change: c.3041T>A on transcript NM_181507.2 (MANE Select); coding-DNA position 3041, T replaced by A.
Protein change: p.Leu1014Gln; replaces leucine 1014 with glutamine.
Molecular consequence: missense variant.
Genome position (GRCh38, 1-based): chr11:18,283,812, A>T on the plus strand (T>A on the coding strand, the complement: HPS5 is on the minus strand). VCF-style: chr11-18283812-A-T. GRCh37 (hg19) VCF-style: chr11-18305359-A-T.
Other names: p.Leu1014Gln; c.2699T>A, p.Leu900Gln (NM_007216.4, NM_181508.2); short protein forms L1014Q, L900Q.
Identifiers: ClinVar variation 1628267 (VCV001628267.14), dbSNP rs181682094, ClinGen allele CA5909673.

ClinVar aggregate classification (germline): Conflicting classifications of pathogenicity. Review status: criteria provided, conflicting classifications (1 of 4 stars). 6 submissions from 6 submitters: Uncertain significance (1); Likely benign (4). 1 of the submissions does not count toward it. Last evaluated 2026-02-04.

Conditions:
Inborn genetic diseases. Identifiers: MedGen C0950123, MeSH D030342.
HPS5-related disorder. Also called: HPS5-related condition.

Allele frequency attached by ClinVar (database versions not stated): gnomAD exomes 0.00038 and 0.00070; ExAC 0.00073; 1000 Genomes Project 0.00080; 1000 Genomes Project 30x 0.00156; gnomAD 0.00004 and 0.00019; TOPMed 0.00009.
gnomAD v4.1: 579 of 1,609,546 alleles (0.036%); highest among the groups gnomAD compares: South Asian, 0.53%; 7 homozygotes.

Submissions (6):

Labcorp Genetics (formerly Invitae), Labcorp
Classification: Likely benign. Last evaluated: 2026-02-04. Review status: criteria provided, single submitter. Criteria: Invitae Variant Classification Sherloc (09022015). Collection method: clinical testing. Allele origin: germline.

Women's Health and Genetics/Laboratory Corporation of America, LabCorp
Classification: Likely benign. Last evaluated: 2025-07-18. Review status: criteria provided, single submitter. Criteria: LabCorp Variant Classification Summary - May 2015. Collection method: clinical testing. Allele origin: germline.
Comment: Variant summary: HPS5 c.3041T>A (p.Leu1014Gln) results in a non-conservative amino acid change in the encoded protein sequence. Algorithms developed to predict the effect of missense changes on protein structure and function all suggest that this variant is likely to be disruptive. The variant allele was found at a frequency of 0.0007 in 251152 control chromosomes in the gnomAD database, including 4 homozygotes. The observed variant frequency is approximately 1.48 fold of the estimated maximal expected allele frequency for a pathogenic variant in HPS5 causing Hermansky-Pudlak Syndrome phenotype (0.00047). To our knowledge, no occurrence of c.3041T>A in individuals affected with Hermansky-Pudlak Syndrome and no experimental evidence demonstrating its impact on protein function have been reported. ClinVar contains an entry for this variant (Variation ID: 1628267). Based on the evidence outlined above, the variant was classified as likely benign.

Mayo Clinic Laboratories, Mayo Clinic
Classification: Likely benign. Last evaluated: 2025-01-20. Review status: criteria provided, single submitter. Criteria: ACMG Guidelines, 2015. Collection method: clinical testing. Allele origin: germline. Observed: 1 variant allele.
Comment: BS1, BS2, PP3, PM1_supporting

Ambry Genetics
Classification: Uncertain significance for Inborn genetic diseases. Last evaluated: 2021-11-15. Review status: criteria provided, single submitter. Criteria: Ambry Variant Classification Scheme 2023. Collection method: clinical testing. Allele origin: germline.

Breakthrough Genomics
Classification: Likely benign. Review status: criteria provided, single submitter. Criteria: ACMG Guidelines, 2015. Collection method: not provided. Allele origin: germline. Inheritance: Autosomal recessive inheritance. Affected: yes.

PreventionGenetics, part of Exact Sciences
Classification: Likely benign for HPS5-related condition. Last evaluated: 2021-04-22. Review status: no assertion criteria provided. Collection method: clinical testing. Allele origin: germline. Not counted in ClinVar's aggregate classification.
Comment: This variant is classified as likely benign based on ACMG/AMP sequence variant interpretation guidelines (Richards et al. 2015 PMID: 25741868, with internal and published modifications).